The following is an entry in ClinVar:

ClinVar aggregate classification (germline): Uncertain significance. Review status: criteria provided, multiple submitters, no conflicts (2 of 4 stars). 2 submissions from 2 submitters: Uncertain significance (2). Last evaluated 2026-04-22.

Conditions:
Inborn genetic diseases. Identifiers: MedGen C0950123, MeSH D030342.

Allele frequency attached by ClinVar (database versions not stated): gnomAD 0.00002; TOPMed 0.00002.
gnomAD v4.1: 5 of 1,613,786 alleles (0.00031%); highest among the groups gnomAD compares: African/African-American, 0.0067%; no homozygotes.

Submissions (2):

Ambry Genetics
Classification: Uncertain significance for Inborn genetic diseases. Last evaluated: 2026-04-22. Review status: criteria provided, single submitter. Criteria: Ambry Variant Classification Scheme 2023. Collection method: clinical testing. Allele origin: germline.

Labcorp Genetics (formerly Invitae), Labcorp
Classification: Uncertain significance. Last evaluated: 2022-10-13. Review status: criteria provided, single submitter. Criteria: Invitae Variant Classification Sherloc (09022015). Collection method: clinical testing. Allele origin: germline.
Comment: In summary, the available evidence is currently insufficient to determine the role of this variant in disease. Therefore, it has been classified as a Variant of Uncertain Significance. Advanced modeling of protein sequence and biophysical properties (such as structural, functional, and spatial information, amino acid conservation, physicochemical variation, residue mobility, and thermodynamic stability) performed at Invitae indicates that this missense variant is not expected to disrupt EFEMP1 protein function. This variant has not been reported in the literature in individuals affected with EFEMP1-related conditions. This variant is present in population databases (no rsID available, gnomAD 0.01%). This sequence change replaces histidine, which is basic and polar, with aspartic acid, which is acidic and polar, at codon 182 of the EFEMP1 protein (p.His182Asp).

NM_001039348.3(EFEMP1):c.544C>G (p.His182Asp)

Gene: EFEMP1 (EGF-like fibulin extracellular matrix protein 1; minus strand). Cytogenetic location: 2p16.1.
Variant type: single nucleotide variant.
Coding change: c.544C>G on transcript NM_001039348.3 (MANE Select); coding-DNA position 544, C replaced by G.
Protein change: p.His182Asp; replaces histidine 182 with aspartic acid.
Molecular consequence: missense variant.
Genome position (GRCh38, 1-based): chr2:55,881,708, G>C on the plus strand (C>G on the coding strand, the complement: EFEMP1 is on the minus strand). VCF-style: chr2-55881708-G-C. GRCh37 (hg19) VCF-style: chr2-56108843-G-C.
Other names: c.544C>G (NM_001039348.2); c.544C>G, p.His182Asp (NM_001039349.3); short protein forms H182D.
Identifiers: ClinVar variation 1926278 (VCV001926278.6), dbSNP rs747781639, ClinGen allele CA347029643.